The following is an entry in ClinVar:

ClinVar aggregate classification (germline): Likely pathogenic (1 of 4 stars; one submission).

Conditions:
Osteogenesis imperfecta type I (OI1). Also called: Osteogenesis imperfecta type 1; Lobstein's Disease; OI, TYPE I; OSTEOGENESIS IMPERFECTA TARDA; OSTEOGENESIS IMPERFECTA WITH BLUE SCLERAE; Lobstein disease. Identifiers: Orphanet 216796, Orphanet 666, MedGen C0023931, MONDO:0008146, OMIM 166200. Disease mechanism: loss of function.

Submission:

Labcorp Genetics (formerly Invitae), Labcorp
Classification: Likely pathogenic for Osteogenesis imperfecta type I. Last evaluated: 2025-12-14. Review status: criteria provided, single submitter. Criteria: Invitae Variant Classification Sherloc (09022015). Collection method: clinical testing. Allele origin: germline.
Comment: This sequence change affects a donor splice site in intron 4 of the COL1A1 gene. It is expected to disrupt RNA splicing. Variants that disrupt the donor or acceptor splice site typically lead to a loss of protein function (PMID: 16199547), and loss-of-function variants in COL1A1 are known to be pathogenic (PMID: 7942841, 9295084, 9443882). This variant is not present in population databases (gnomAD no frequency). Disruption of this splice site has been observed in individual(s) with clinical features of osteogenesis imperfecta (internal data). Algorithms developed to predict the effect of sequence changes on RNA splicing suggest that this variant may disrupt the consensus splice site. In summary, the currently available evidence indicates that the variant is pathogenic, but additional data are needed to prove that conclusively. Therefore, this variant has been classified as Likely Pathogenic.

Literature cited by the submitters: PubMed 16199547; PubMed 7942841; PubMed 9295084; PubMed 9443882.

NM_000088.4(COL1A1):c.369+1G>T

Gene: COL1A1 (collagen type I alpha 1 chain; minus strand). Cytogenetic location: 17q21.33.
Variant type: single nucleotide variant.
Coding change: c.369+1G>T on transcript NM_000088.4 (MANE Select); the canonical splice donor site of the intron after coding-DNA position 369, G replaced by T.
Molecular consequence: splice donor variant.
Genome position (GRCh38, 1-based): chr17:50,199,417, C>A on the plus strand (G>T on the coding strand, the complement: COL1A1 is on the minus strand). VCF-style: chr17-50199417-C-A. GRCh37 (hg19) VCF-style: chr17-48276778-C-A.
Identifiers: ClinVar variation 4732832 (VCV004732832.1).